The following is an entry in ClinVar:

ClinVar aggregate classification (germline): Likely pathogenic. Review status: criteria provided, single submitter (1 of 4 stars). 2 submissions from 2 submitters: Likely pathogenic (1). 1 of the submissions does not count toward it. Last evaluated 2024-09-26.

Conditions:
Familial dysautonomia. Also called: FD; HSAN III. Identifiers: Orphanet 1764, MedGen C0013364, MONDO:0009131, OMIM 223900. Disease mechanism: loss of function.

Allele frequency attached by ClinVar (database versions not stated): gnomAD exomes below 0.00001; ExAC 0.00001.
gnomAD v4.1: 1 of 1,612,508 alleles (0.000062%); no homozygotes.

Submissions (2):

Natera, Inc.
Classification: Likely pathogenic for Familial dysautonomia. Last evaluated: 2024-09-26. Review status: criteria provided, single submitter. Criteria: Natera Variant Classification Schema (03/2026). Collection method: clinical testing. Allele origin: germline.
Comment: The c.2817C>A variant in ELP1 is a nonsense variant predicted to introduce a stop codon at amino acid 939. This variant is expected to result in nonsense mediated decay, truncation, or a dysfunctional protein product. This variant is rare in the general population with a frequency below the threshold expected for the associated phenotype(s). Given the available evidence, this variant is classified as Likely Pathogenic.

Counsyl
Classification: Likely pathogenic for Familial dysautonomia. Last evaluated: 2015-12-28. Review status: no assertion criteria provided. Collection method: clinical testing. Allele origin: unknown. Not counted in ClinVar's aggregate classification.

NM_003640.5(ELP1):c.2817C>A (p.Tyr939Ter)

Gene: ELP1 (elongator acetyltransferase complex subunit 1; minus strand). Cytogenetic location: 9q31.3.
Variant type: single nucleotide variant.
Coding change: c.2817C>A on transcript NM_003640.5 (MANE Select); coding-DNA position 2817, C replaced by A.
Protein change: p.Tyr939Ter; replaces tyrosine 939 with a stop codon.
Molecular consequence: nonsense.
Genome position (GRCh38, 1-based): chr9:108,893,986, G>T on the plus strand (C>A on the coding strand, the complement: ELP1 is on the minus strand). VCF-style: chr9-108893986-G-T. GRCh37 (hg19) VCF-style: chr9-111656266-G-T.
Other names: c.2817C>A (LRG_251t1, NM_003640.4); c.2475C>A, p.Tyr825Ter (NM_001318360.2); c.1770C>A, p.Tyr590Ter (NM_001330749.2); short protein forms Y939*, Y825*, Y590*.
Identifiers: ClinVar variation 370257 (VCV000370257.4), dbSNP rs749052963, ClinGen allele CA5174529.